The following is an entry in ClinVar:

NM_000426.4(LAMA2):c.1781_1782del (p.Lys594fs)

Gene: LAMA2 (laminin subunit alpha 2; plus strand). Cytogenetic location: 6q22.33.
Variant type: Deletion.
Coding change: c.1781_1782del on transcript NM_000426.4 (MANE Select); coding-DNA positions 1781 to 1782, 2 bases deleted (AA; older notation c.1781_1782delAA).
Protein change: p.Lys594fs; shifts the reading frame from lysine 594.
Molecular consequence: frameshift variant.
Genome position (GRCh38, 1-based): chr6:129,192,852-129,192,853, AA deleted; deleting any 2 consecutive bases within chr6:129,192,851-129,192,853 gives the same sequence; the c. name uses the placement nearest the transcript's 3' end. VCF-style (leftmost placement, unchanged base first): chr6-129192850-CAA-C. GRCh37 (hg19) VCF-style: chr6-129513995-CAA-C.
Other names: c.1781_1782del, p.Lys594fs (NM_001079823.2); c.1781_1782delAA (NM_000426.3); short protein forms K594fs.
Identifiers: ClinVar variation 503907 (VCV000503907.2), dbSNP rs1554238384, ClinGen allele CA658796814.

ClinVar aggregate classification (germline): Pathogenic (1 of 4 stars; one submission).

Submission:

GeneDx
Classification: Pathogenic. Last evaluated: 2017-12-15. Review status: criteria provided, single submitter. Criteria: GeneDx Variant Classification (06012015). Collection method: clinical testing. Allele origin: germline. Affected: yes.
Comment: The c.1781_1782delAA variant in the LAMA2 gene has not been reported previously as a pathogenic variant nor as a benign variant, to our knowledge. The c.1781_1782delAA variant causes a frameshift starting with codon Lysine 594, changes this amino acid to a Threonine residue, and creates a premature Stop codon at position 15 of the new reading frame, denoted p.Lys594ThrfsX15. This variant is predicted to cause loss of normal protein function either through protein truncation or nonsense-mediated mRNA decay. The c.1781_1782delAA variant is not observed in large population cohorts (Lek et al., 2016). We interpret c.1781_1782delAA as a pathogenic variant.